The following is an entry in ClinVar:

ClinVar aggregate classification (germline): Uncertain significance (1 of 4 stars; one submission).

Conditions:
Hereditary breast ovarian cancer syndrome. Also called: Hereditary breast and ovarian cancer syndrome (HBOC); Hereditary breast and ovarian cancer; Breast and ovarian cancer; Hereditary breast and/or ovarian cancer syndrome; BRCA1- and BRCA2-Associated Hereditary Breast and Ovarian Cancer; Hereditary breast and ovarian cancer syndrome. Identifiers: Orphanet 145, MedGen C0677776, MeSH D061325, MONDO:0003582. Disease mechanism: loss of function.

Submission:

Labcorp Genetics (formerly Invitae), Labcorp
Classification: Uncertain significance for Hereditary breast ovarian cancer syndrome. Last evaluated: 2025-09-28. Review status: criteria provided, single submitter. Criteria: Invitae Variant Classification Sherloc (09022015). Collection method: clinical testing. Allele origin: germline.
Comment: This sequence change replaces proline, which is neutral and non-polar, with leucine, which is neutral and non-polar, at codon 968 of the BRCA1 protein (p.Pro968Leu). This variant is not present in population databases (gnomAD no frequency). This variant has not been reported in the literature in individuals affected with BRCA1-related conditions. Invitae Evidence Modeling of protein sequence and biophysical properties (such as structural, functional, and spatial information, amino acid conservation, physicochemical variation, residue mobility, and thermodynamic stability) indicates that this missense variant is not expected to disrupt BRCA1 protein function with a negative predictive value of 80%. In summary, the available evidence is currently insufficient to determine the role of this variant in disease. Therefore, it has been classified as a Variant of Uncertain Significance.

NM_007294.4(BRCA1):c.2903C>T (p.Pro968Leu)

Gene: BRCA1 (BRCA1 DNA repair associated; minus strand). Cytogenetic location: 17q21.31.
Variant type: single nucleotide variant.
Coding change: c.2903C>T on transcript NM_007294.4 (MANE Select); coding-DNA position 2903, C replaced by T.
Protein change: p.Pro968Leu; replaces proline 968 with leucine.
Molecular consequence: missense variant. On other transcripts: intron variant (137).
Genome position (GRCh38, 1-based): chr17:43,092,628, G>A on the plus strand (C>T on the coding strand, the complement: BRCA1 is on the minus strand). VCF-style: chr17-43092628-G-A. GRCh37 (hg19) VCF-style: chr17-41244645-G-A.
Other names: c.665-1596C>T (NM_001408437.1, NM_001408429.1, NM_001408442.1 and 12 more transcripts); c.788-1596C>T (NM_001407979.1, NM_001407977.1, NM_001407982.1 and 17 more transcripts); c.647-1596C>T (NM_001408410.1, NM_001408458.1, NM_001408469.1 and 11 more transcripts); c.710-1596C>T (NM_001408415.1, NM_001408412.1, NM_001408409.1 and 2 more transcripts); c.578-1596C>T (NM_001408483.1, NM_001408481.1, NM_001408480.1 and 9 more transcripts); c.2690C>T, p.Pro897Leu (NM_001407571.1, NM_001407853.1, NM_001407894.1 and 9 more transcripts); c.2903C>T, p.Pro968Leu (NM_001407581.1, NM_001407582.1, NM_001407583.1 and 30 more transcripts); c.2900C>T, p.Pro967Leu (NM_001407590.1, NM_001407591.1, NM_001407587.1 and 22 more transcripts); and 41 more; short protein forms P672L, P800L, P840L, P841L, P856L, P857L, P879L, P880L.
Identifiers: ClinVar variation 4800842 (VCV004800842.1).
Genomic context (GRCh38, chr17:43,092,628, plus strand): 5'-GACTTGATGGGAAAAAGTGGTGGTATACGATATGGGTTTTGTAAAAGTCCATGTTTATTT[G>A]GAGTAATGAGTCCAGTTTCGTTGCCTCTGAACTGAGATGATAGACAAAACCTAGAGCCTC-3'
Protein context (NP_009225.1, residues 958-978): FRGNETGLIT[Pro968Leu]NKHGLLQNPY